The following is an entry in ClinVar:

NM_000373.4(UMPS):c.*4016T>C

Gene: UMPS (uridine monophosphate synthetase; plus strand). Cytogenetic location: 3q21.2.
Variant type: single nucleotide variant.
Coding change: c.*4016T>C on transcript NM_000373.4 (MANE Select); 4016 bases downstream of the stop codon, T replaced by C.
Molecular consequence: 3 prime UTR variant. On other transcripts: non-coding transcript variant (2).
Genome position (GRCh38, 1-based): chr3:124,748,100, T>C. VCF-style: chr3-124748100-T-C. GRCh37 (hg19) VCF-style: chr3-124466947-T-C.
Identifiers: ClinVar variation 343017 (VCV000343017.5), dbSNP rs77601301, ClinGen allele CA10617057.

ClinVar aggregate classification (germline): Likely benign (1 of 4 stars; one submission).

Conditions:
Oroticaciduria. Also called: Orotic aciduria. Identifiers: Orphanet 30, MedGen C0268128, HP:0003218.

Allele frequency attached by ClinVar (database versions not stated): TOPMed 0.00062; gnomAD exomes 0.00114 and 0.00051; 1000 Genomes Project 0.00240; gnomAD 0.00061.
gnomAD v4.1: 108 of 255,518 alleles (0.042%); highest among the groups gnomAD compares: East Asian, 1.2%; 3 homozygotes.

Submission:

Illumina Laboratory Services, Illumina
Classification: Likely benign for Hereditary orotic aciduria. Last evaluated: 2018-01-12. Review status: criteria provided, single submitter. Criteria: ICSL Variant Classification Criteria 13 December 2019. Collection method: clinical testing. Allele origin: germline.
Comment: This variant was observed in the ICSL laboratory as part of a predisposition screen in an ostensibly healthy population. It had not been previously curated by ICSL or reported in the Human Gene Mutation Database (HGMD: prior to June 1st, 2018), and was therefore a candidate for classification through an automated scoring system. Utilizing variant allele frequency, disease prevalence and penetrance estimates, and inheritance mode, an automated score was calculated to assess if this variant is too frequent to cause the disease. Based on the score and internal cut-off values, a variant classified as likely benign is not then subjected to further curation. The score for this variant resulted in a classification of likely benign for this disease.